The following is an entry in ClinVar:

NM_002658.6(PLAU):c.*60A>C

Genes: C10orf55 (chromosome 10 putative open reading frame 55; minus strand), PLAU (plasminogen activator, urokinase; plus strand). Cytogenetic location: 10q22.2.
Variant type: single nucleotide variant.
Coding change: c.*60A>C on transcript NM_002658.6 (MANE Select); 60 bases downstream of the stop codon, A replaced by C.
Molecular consequence: 3 prime UTR variant. On other transcripts: non-coding transcript variant (2).
Genome position (GRCh38, 1-based): chr10:73,916,625, A>C. VCF-style: chr10-73916625-A-C. GRCh37 (hg19) VCF-style: chr10-75676383-A-C.
Other names: c.*60A>C (NM_001145031.3, NM_001319191.2).
Identifiers: ClinVar variation 300764 (VCV000300764.5), dbSNP rs142117323, ClinGen allele CA10636283.

ClinVar aggregate classification (germline): Benign (1 of 4 stars; one submission).

Conditions:
Quebec platelet disorder (QPD). Also called: FACTOR V QUEBEC; BLEEDING DISORDER, PLATELET-TYPE, 5. Identifiers: Orphanet 220436, MedGen C1866423, MONDO:0011136, OMIM 601709.

Allele frequency attached by ClinVar (database versions not stated): gnomAD 0.00167 and 0.00177; 1000 Genomes Project 30x 0.00156; 1000 Genomes Project 0.00160; TOPMed 0.00175.

Submission:

Illumina Laboratory Services, Illumina
Classification: Benign for Quebec platelet disorder. Last evaluated: 2018-01-12. Review status: criteria provided, single submitter. Criteria: ICSL Variant Classification Criteria 13 December 2019. Collection method: clinical testing. Allele origin: germline.
Comment: This variant was observed in the ICSL laboratory as part of a predisposition screen in an ostensibly healthy population. It had not been previously curated by ICSL or reported in the Human Gene Mutation Database (HGMD: prior to June 1st, 2018), and was therefore a candidate for classification through an automated scoring system. Utilizing variant allele frequency, disease prevalence and penetrance estimates, and inheritance mode, an automated score was calculated to assess if this variant is too frequent to cause the disease. Based on the score and internal cut-off values, a variant classified as benign is not then subjected to further curation. The score for this variant resulted in a classification of benign for this disease.